The following is an entry in ClinVar:

ClinVar aggregate classification (germline): Uncertain significance. Review status: criteria provided, multiple submitters, no conflicts (2 of 4 stars). 5 submissions from 5 submitters: Uncertain significance (5). Last evaluated 2025-10-01.

Conditions:
Cardiovascular phenotype. Identifiers: MedGen CN230736.
Arrhythmogenic right ventricular cardiomyopathy (ARVD). Also called: Arrhythmogenic cardiomyopathy; Cardiomyopathy, ARVC; Arrhythmogenic right ventricular dysplasia; Arrhythmogenic Right Ventricular Cardiomyopathy (ARVC). Identifiers: Orphanet 247, MedGen C0349788, MeSH D019571, MONDO:0016587. Disease mechanism: loss of function. Inheritance: Various modes of inheritance.
Arrhythmogenic right ventricular dysplasia 9 (ARVD9). Also called: Arrhythmogenic Right Ventricular Dysplasia/Cardiomyopathy 9; ARRHYTHMOGENIC RIGHT VENTRICULAR DYSPLASIA, FAMILIAL, 9. Identifiers: MedGen C1836906, MONDO:0012180, OMIM 609040.
Cardiomyopathy (CMYO). Also called: Cardiomyopathies. Identifiers: Orphanet 167848, MedGen C0878544, MONDO:0004994, HP:0001638. Inheritance: Various modes of inheritance.

Allele frequency attached by ClinVar (database versions not stated): ExAC 0.00001; gnomAD exomes 0.00001 and 0.00004; TOPMed 0.00001; ESP Exome Variant Server 0.00008.
gnomAD v4.1: 54 of 1,613,892 alleles (0.0033%); highest among the groups gnomAD compares: Non-Finnish European, 0.0044%; no homozygotes.

Submissions (5):

Ambry Genetics
Classification: Uncertain significance for Cardiovascular phenotype. Last evaluated: 2025-10-01. Review status: criteria provided, single submitter. Criteria: Ambry Variant Classification Scheme 2023. Collection method: clinical testing. Allele origin: germline.
Comment: The p.L431S variant (also known as c.1292T>C), located in coding exon 5 of the PKP2 gene, results from a T to C substitution at nucleotide position 1292. The leucine at codon 431 is replaced by serine, an amino acid with dissimilar properties. This amino acid position is well conserved in available vertebrate species. In addition, the in silico prediction for this alteration is inconclusive. Based on the available evidence, the clinical significance of this variant remains unclear.

Color Diagnostics, LLC DBA Color Health
Classification: Uncertain significance for Cardiomyopathy. Last evaluated: 2024-03-07. Review status: criteria provided, single submitter. Criteria: ACMG Guidelines, 2015. Collection method: clinical testing. Allele origin: germline.
Comment: This missense variant replaces leucine with serine at codon 431 of the PKP2 protein. Computational prediction suggests that this variant may not impact protein structure and function (internally defined REVEL score threshold <= 0.5, PMID: 27666373). To our knowledge, functional studies have not been reported for this variant. This variant has not been reported in individuals affected with PKP2-related disorders in the literature. This variant has been identified in 2/251228 chromosomes in the general population by the Genome Aggregation Database (gnomAD). The available evidence is insufficient to determine the role of this variant in disease conclusively. Therefore, this variant is classified as a Variant of Uncertain Significance.

All of Us Research Program, National Institutes of Health
Classification: Uncertain significance for Arrhythmogenic right ventricular cardiomyopathy. Last evaluated: 2023-12-13. Review status: criteria provided, single submitter. Criteria: ACMG Guidelines, 2015. Collection method: clinical testing. Allele origin: germline. Inheritance: Autosomal dominant inheritance. Observed: 5 variant alleles, 5 heterozygotes.
Comment: Variant of Uncertain Significance due to insufficient evidence: This missense variant is located in the armadillo repeat 3 of the PKP2 protein. Computational prediction tools and conservation analyses are inconclusive regarding the impact of this variant on the protein function. Computational splicing tools suggest that this variant may not impact RNA splicing. To our knowledge, functional assays have not been performed for this variant nor has this variant been reported in individuals affected with cardiovascular disorders in the literature. This variant has been identified in 2/246008 chromosomes in the general population by the Genome Aggregation Database (gnomAD). Available evidence is insufficient to determine the pathogenicity of this variant conclusively.

This study involves interpretation of variants in research participants for the purpose of population health screening. Participant phenotype was not available at the time of variant classification. Additional details can be found in publication PMID: 35346344, PMCID: PMC8962531

Fulgent Genetics
Classification: Uncertain significance for Arrhythmogenic right ventricular dysplasia 9. Last evaluated: 2021-10-19. Review status: criteria provided, single submitter. Criteria: ACMG Guidelines, 2015. Collection method: clinical testing. Allele origin: unknown.

Labcorp Genetics (formerly Invitae), Labcorp
Classification: Uncertain significance for Arrhythmogenic right ventricular dysplasia 9. Last evaluated: 2021-08-31. Review status: criteria provided, single submitter. Criteria: Invitae Variant Classification Sherloc (09022015). Collection method: clinical testing. Allele origin: germline.
Comment: This sequence change replaces leucine with serine at codon 431 of the PKP2 protein (p.Leu431Ser). The leucine residue is highly conserved and there is a large physicochemical difference between leucine and serine. This variant is present in population databases (rs143397927, ExAC 0.001%). This variant has not been reported in the literature in individuals affected with PKP2-related conditions. Algorithms developed to predict the effect of missense changes on protein structure and function (SIFT, PolyPhen-2, Align-GVGD) all suggest that this variant is likely to be disruptive. In summary, the available evidence is currently insufficient to determine the role of this variant in disease. Therefore, it has been classified as a Variant of Uncertain Significance.

NM_001005242.3(PKP2):c.1292T>C (p.Leu431Ser)

Gene: PKP2 (plakophilin 2; minus strand). Cytogenetic location: 12p11.21.
Variant type: single nucleotide variant.
Coding change: c.1292T>C on transcript NM_001005242.3 (MANE Select); coding-DNA position 1292, T replaced by C.
Protein change: p.Leu431Ser; replaces leucine 431 with serine.
Molecular consequence: missense variant.
Genome position (GRCh38, 1-based): chr12:32,850,852, A>G on the plus strand (T>C on the coding strand, the complement: PKP2 is on the minus strand). VCF-style: chr12-32850852-A-G. GRCh37 (hg19) VCF-style: chr12-33003786-A-G.
Other names: c.1292T>C, p.Leu431Ser (NM_004572.4); short protein forms L431S.
Identifiers: ClinVar variation 651972 (VCV000651972.13), dbSNP rs143397927, ClinGen allele CA027561.